The following is an entry in ClinVar:

NC_000007.14:g.128773771C>T

Gene: OPN1SW (opsin 1, short wave sensitive; minus strand). Cytogenetic location: 7q32.1.
Variant type: single nucleotide variant.
Genome position: GRCh38 VCF-style: chr7-128773771-C-T. GRCh37 (hg19) VCF-style: chr7-128413825-C-T.
Other names: NM_001708.2:c.805G>A.
Identifiers: ClinVar variation 858981 (VCV000858981.9), dbSNP rs369667942, ClinGen allele CA4472832.

ClinVar aggregate classification (germline): Uncertain significance (1 of 4 stars; one submission).

Allele frequency attached by ClinVar (database versions not stated): ExAC 0.00004; gnomAD 0.00004 and 0.00005; TOPMed 0.00005; gnomAD exomes 0.00006 and 0.00008; ESP Exome Variant Server 0.00008.
gnomAD v4.1: 120 of 1,614,010 alleles (0.0074%); highest among the groups gnomAD compares: Non-Finnish European, 0.0096%; no homozygotes.

Submission:

Labcorp Genetics (formerly Invitae), Labcorp
Classification: Uncertain significance. Last evaluated: 2024-08-28. Review status: criteria provided, single submitter. Criteria: Invitae Variant Classification Sherloc (09022015). Collection method: clinical testing. Allele origin: germline.
Comment: This sequence change replaces alanine, which is neutral and non-polar, with threonine, which is neutral and polar, at codon 269 of the OPN1SW protein (p.Ala269Thr). This variant is present in population databases (rs369667942, gnomAD 0.01%). This variant has not been reported in the literature in individuals affected with OPN1SW-related conditions. ClinVar contains an entry for this variant (Variation ID: 858981). An algorithm developed to predict the effect of missense changes on protein structure and function (PolyPhen-2) suggests that this variant is likely to be disruptive. In summary, the available evidence is currently insufficient to determine the role of this variant in disease. Therefore, it has been classified as a Variant of Uncertain Significance.